The following is an entry in ClinVar:

ClinVar aggregate classification (germline): Uncertain significance (1 of 4 stars; one submission).

Submission:

GeneDx
Classification: Uncertain significance. Last evaluated: 2025-03-17. Review status: criteria provided, single submitter. Criteria: GeneDx Variant Classification Process June 2021. Collection method: clinical testing. Allele origin: germline. Affected: yes.
Comment: Not observed at significant frequency in large population cohorts (gnomAD); In silico analysis supports that this missense variant has a deleterious effect on protein structure/function; Has not been previously published as pathogenic or benign to our knowledge

NM_004369.4(COL6A3):c.341G>T (p.Gly114Val)

Gene: COL6A3 (collagen type VI alpha 3 chain; minus strand). Cytogenetic location: 2q37.3.
Variant type: single nucleotide variant.
Coding change: c.341G>T on transcript NM_004369.4 (MANE Select); coding-DNA position 341, G replaced by T.
Protein change: p.Gly114Val; replaces glycine 114 with valine.
Molecular consequence: missense variant. On other transcripts: intron variant (4).
Genome position (GRCh38, 1-based): chr2:237,394,955, C>A on the plus strand (G>T on the coding strand, the complement: COL6A3 is on the minus strand). VCF-style: chr2-237394955-C-A. GRCh37 (hg19) VCF-style: chr2-238303598-C-A.
Other names: c.91+1772G>T (NM_057166.5, NM_057167.4, NM_057164.5 and 1 more transcripts); short protein forms G114V.
Identifiers: ClinVar variation 4086740 (VCV004086740.1).